The following is an entry in ClinVar:

ClinVar aggregate classification (germline): Uncertain significance. Review status: criteria provided, multiple submitters, no conflicts (2 of 4 stars). 2 submissions from 2 submitters: Uncertain significance (2). Last evaluated 2026-08-21.

Conditions:
Inborn genetic diseases. Identifiers: MedGen C0950123, MeSH D030342.
AIPL1-related disorder. Also called: AIPL1-related condition; AIPL1-related disorders. Identifiers: MedGen CN239169.

gnomAD v4.1: 4 of 1,608,640 alleles (0.00025%); highest among the groups gnomAD compares: African/African-American, 0.0013%; no homozygotes.

Submissions (2):

PreventionGenetics, part of Exact Sciences
Classification: Uncertain significance for AIPL1-related condition. Last evaluated: 2026-08-21. Review status: criteria provided, single submitter. Criteria: ACMG Guidelines, 2015. Collection method: clinical testing. Allele origin: germline.
Comment: The AIPL1 c.916A>G variant is predicted to result in the amino acid substitution p.Arg306Gly. To our knowledge, this variant has not been reported in the literature. This variant is reported in 0.00079% of alleles in individuals of European (Non-Finnish) descent in gnomAD. At this time, the clinical significance of this variant is uncertain due to the absence of conclusive functional and genetic evidence.

Ambry Genetics
Classification: Uncertain significance for Inborn genetic diseases. Last evaluated: 2025-06-18. Review status: criteria provided, single submitter. Criteria: Ambry Variant Classification Scheme 2023. Collection method: clinical testing. Allele origin: germline.

NM_014336.5(AIPL1):c.916A>G (p.Arg306Gly)

Gene: AIPL1 (AIP like 1 HSP90 co-chaperone; minus strand). Cytogenetic location: 17p13.2.
Variant type: single nucleotide variant.
Coding change: c.916A>G on transcript NM_014336.5 (MANE Select); coding-DNA position 916, A replaced by G.
Protein change: p.Arg306Gly; replaces arginine 306 with glycine.
Molecular consequence: missense variant. On other transcripts: 3 prime UTR variant (1).
Genome position (GRCh38, 1-based): chr17:6,425,699, T>C on the plus strand (A>G on the coding strand, the complement: AIPL1 is on the minus strand). VCF-style: chr17-6425699-T-C. GRCh37 (hg19) VCF-style: chr17-6329019-T-C.
Other names: c.916A>G (NM_014336.4); c.727A>G, p.Arg243Gly (NM_001033054.3); c.736A>G, p.Arg246Gly (NM_001033055.3); c.880A>G, p.Arg294Gly (NM_001285399.3); c.850A>G, p.Arg284Gly (NM_001285400.3); c.844A>G, p.Arg282Gly (NM_001285401.3); c.799A>G, p.Arg267Gly (NM_001285402.2); c.*887A>G (NM_001285403.4); short protein forms R243G, R294G, R282G, R284G, R246G, R267G, R306G.
Identifiers: ClinVar variation 4260076 (VCV004260076.2).
Genomic context (GRCh38, chr17:6,425,699, plus strand): 5'-TGTTCCGGCAGCGCAGCCGCTCCTCCTCCTGCTTCTCCGCCATGCGGTTCTCCAGCAGCC[T>C]CAGCTCCCTGCGCACCGCCTTCTGCATGGACGGCTCCAGCTCCAGCACTTTCTGGAGGTC-3'
Protein context (NP_055151.3, residues 296-316): SMQKAVRREL[Arg306Gly]LLENRMAEKQ